The following is an entry in ClinVar:

NM_000235.4(LIPA):c.302A>G (p.Asn101Ser)

Gene: LIPA (lipase A, lysosomal acid type; minus strand). Cytogenetic location: 10q23.31.
Variant type: single nucleotide variant.
Coding change: c.302A>G on transcript NM_000235.4 (MANE Select); coding-DNA position 302, A replaced by G.
Protein change: p.Asn101Ser; replaces asparagine 101 with serine.
Molecular consequence: missense variant. On other transcripts: 5 prime UTR variant (1).
Genome position (GRCh38, 1-based): chr10:89,228,326, T>C on the plus strand (A>G on the coding strand, the complement: LIPA is on the minus strand). VCF-style: chr10-89228326-T-C. GRCh37 (hg19) VCF-style: chr10-90988083-T-C.
Other names: c.302A>G, p.Asn101Ser (NM_001127605.3); c.-47A>G (NM_001288979.2); c.302A>G (NM_000235.2); short protein forms N101S.
Identifiers: ClinVar variation 2171228 (VCV002171228.4), dbSNP rs377251678, ClinGen allele CA5593766.

ClinVar aggregate classification (germline): Uncertain significance. Review status: criteria provided, multiple submitters, no conflicts (2 of 4 stars). 2 submissions from 2 submitters: Uncertain significance (2). Last evaluated 2024-04-06.

Conditions:
Wolman disease (WOLD). Also called: Acid cholesteryl ester hydrolase deficiency, Wolman type; Acid lipase disease; Wolman disease, CESD; Wolman disease with hypolipoproteinemia and acanthocytosis; LYSOSOMAL ACID LIPASE DEFICIENCY, ACUTE INFANTILE; LYSOSOMAL ACID LIPASE DEFICIENCY, COMPLETE. Identifiers: Orphanet 75233, MedGen C0043208, MONDO:0019148, OMIM 620151.
Cardiovascular phenotype. Identifiers: MedGen CN230736.

Allele frequency attached by ClinVar (database versions not stated): gnomAD exomes 0.00001; ExAC 0.00002; ESP Exome Variant Server 0.00008; TOPMed 0.00010; gnomAD 0.00011.
gnomAD v4.1: 28 of 1,614,212 alleles (0.0017%); highest among the groups gnomAD compares: Middle Eastern, 0.016%; no homozygotes.

Submissions (2):

Ambry Genetics
Classification: Uncertain significance for Cardiovascular phenotype. Last evaluated: 2024-04-06. Review status: criteria provided, single submitter. Criteria: Ambry Variant Classification Scheme 2023. Collection method: clinical testing. Allele origin: germline.

Labcorp Genetics (formerly Invitae), Labcorp
Classification: Uncertain significance for Wolman disease. Last evaluated: 2022-03-13. Review status: criteria provided, single submitter. Criteria: Invitae Variant Classification Sherloc (09022015). Collection method: clinical testing. Allele origin: germline.
Comment: This sequence change replaces asparagine, which is neutral and polar, with serine, which is neutral and polar, at codon 101 of the LIPA protein (p.Asn101Ser). This variant is present in population databases (rs377251678, gnomAD 0.01%). This variant has not been reported in the literature in individuals affected with LIPA-related conditions. Algorithms developed to predict the effect of missense changes on protein structure and function output the following: SIFT: "Tolerated"; PolyPhen-2: "Benign"; Align-GVGD: "Class C0". The serine amino acid residue is found in multiple mammalian species, which suggests that this missense change does not adversely affect protein function. In summary, the available evidence is currently insufficient to determine the role of this variant in disease. Therefore, it has been classified as a Variant of Uncertain Significance.